The following is an entry in ClinVar:

ClinVar aggregate classification (germline): Uncertain significance. Review status: criteria provided, multiple submitters, no conflicts (2 of 4 stars). 3 submissions from 3 submitters: Uncertain significance (3). Last evaluated 2025-12-15.

Conditions:
Left ventricular noncompaction 1 (LVNC1). Also called: LEFT VENTRICULAR NONCOMPACTION 1 WITH OR WITHOUT CONGENITAL HEART DEFECTS. Identifiers: Orphanet 54260, MedGen C1858725, MONDO:0011403, OMIM 604169.

Allele frequency attached by ClinVar (database versions not stated): TOPMed 0.00003; gnomAD 0.00004.
gnomAD v4.1: 26 of 1,613,996 alleles (0.0016%); highest among the groups gnomAD compares: Non-Finnish European, 0.0019%; no homozygotes.

Submissions (3):

Labcorp Genetics (formerly Invitae), Labcorp
Classification: Uncertain significance for Left ventricular noncompaction 1. Last evaluated: 2025-12-15. Review status: criteria provided, single submitter. Criteria: Invitae Variant Classification Sherloc (09022015). Collection method: clinical testing. Allele origin: germline.
Comment: This sequence change replaces alanine, which is neutral and non-polar, with threonine, which is neutral and polar, at codon 302 of the DTNA protein (p.Ala302Thr). This variant is present in population databases (rs199983981, gnomAD 0.004%). This variant has not been reported in the literature in individuals affected with DTNA-related conditions. ClinVar contains an entry for this variant (Variation ID: 191650). Invitae Evidence Modeling of protein sequence and biophysical properties (such as structural, functional, and spatial information, amino acid conservation, physicochemical variation, residue mobility, and thermodynamic stability) indicates that this missense variant is not expected to disrupt DTNA protein function with a negative predictive value of 80%. In summary, the available evidence is currently insufficient to determine the role of this variant in disease. Therefore, it has been classified as a Variant of Uncertain Significance.

Women's Health and Genetics/Laboratory Corporation of America, LabCorp
Classification: Uncertain significance. Last evaluated: 2023-08-28. Review status: criteria provided, single submitter. Criteria: LabCorp Variant Classification Summary - May 2015. Collection method: clinical testing. Allele origin: germline.
Comment: Variant summary: DTNA c.904G>A (p.Ala302Thr) results in a non-conservative amino acid change in the encoded protein sequence. Four of five in-silico tools predict a damaging effect of the variant on protein function. The variant allele was found at a frequency of 1.2e-05 in 251446 control chromosomes (gnomAD). The available data on variant occurrences in the general population are insufficient to allow any conclusion about variant significance. c.904G>A has been reported in the literature in individuals affected with Sudden Arrhythmic Death (Nunn_2016) and Hypertrophic Cardiomyopathy (Mazzarotto_2019). These reports do not provide unequivocal conclusions about association of the variant with Left Ventricular Noncompaction. To our knowledge, no experimental evidence demonstrating an impact on protein function has been reported. The following publications have been ascertained in the context of this evaluation (PMID: 29875424, 26498160). One ClinVar submitter has assessed this variant since 2014, and classified the variant as uncertain significance. Based on the evidence outlined above, the variant was classified as uncertain significance.

Biesecker Lab/Clinical Genomics Section, National Institutes of Health
Classification: Uncertain significance. Last evaluated: 2013-06-24. Review status: criteria provided, single submitter. Criteria: Ng et al. (Circ Cardiovasc Genet. 2013). Collection method: research. Allele origin: unknown. Observed: 1 variant allele. Study: ClinSeq.
Comment: The study set was not selected for affection status in relation to any cancer. Pathogenicity categories were based on literature curation. See Pubmed ID:23861362 for details.

Medical sequencing

Literature cited by the submitters: PubMed 26498160 (cited by Women's Health and Genetics/Laboratory Corporation of America, LabCorp); PubMed 29875424 (cited by Women's Health and Genetics/Laboratory Corporation of America, LabCorp).

NM_001386795.1(DTNA):c.904G>A (p.Ala302Thr)

Gene: DTNA (dystrobrevin alpha; plus strand). Cytogenetic location: 18q12.1.
Variant type: single nucleotide variant.
Coding change: c.904G>A on transcript NM_001386795.1 (MANE Select); coding-DNA position 904, G replaced by A.
Protein change: p.Ala302Thr; replaces alanine 302 with threonine.
Molecular consequence: missense variant. On other transcripts: 5 prime UTR variant (4), intron variant (1).
Genome position (GRCh38, 1-based): chr18:34,820,818, G>A. VCF-style: chr18-34820818-G-A. GRCh37 (hg19) VCF-style: chr18-32400782-G-A.
Other names: c.904G>A, p.Ala302Thr (NM_001128175.2, NM_001198938.2, NM_001198939.2 and 34 more transcripts); c.-51G>A (NM_001198942.1, NM_001198944.1, NM_032980.4 and 1 more transcripts); c.154G>A, p.Ala52Thr (NM_001198943.1); c.603+8705G>A (NM_001198945.2); c.904G>A (NM_001390.4); short protein forms A302T, A52T.
Identifiers: ClinVar variation 191650 (VCV000191650.6), dbSNP rs199983981, ClinGen allele CA237153.